The following is an entry in ClinVar:

NM_013275.6(ANKRD11):c.6112A>G (p.Lys2038Glu)

Gene: ANKRD11 (ankyrin repeat domain 11; minus strand). Cytogenetic location: 16q24.3.
Variant type: single nucleotide variant.
Coding change: c.6112A>G on transcript NM_013275.6 (MANE Select); coding-DNA position 6112, A replaced by G.
Protein change: p.Lys2038Glu; replaces lysine 2038 with glutamic acid.
Molecular consequence: missense variant.
Genome position (GRCh38, 1-based): chr16:89,280,430, T>C on the plus strand (A>G on the coding strand, the complement: ANKRD11 is on the minus strand). VCF-style: chr16-89280430-T-C. GRCh37 (hg19) VCF-style: chr16-89346838-T-C.
Other names: c.6112A>G, p.Lys2038Glu (NM_001256182.2, NM_001256183.2); c.6112A>G (NM_013275.4); short protein forms K2038E.
Identifiers: ClinVar variation 445802 (VCV000445802.43), dbSNP rs200724087, ClinGen allele CA8241582.

ClinVar aggregate classification (germline): Conflicting classifications of pathogenicity. Review status: criteria provided, conflicting classifications (1 of 4 stars). 9 submissions from 9 submitters: Uncertain significance (1); Benign (2); Likely benign (5). 1 of the submissions does not count toward it. Last evaluated 2026-01-19.

Conditions:
ANKRD11-related disorder. Also called: ANKRD11-related condition.
Inborn genetic diseases. Identifiers: MedGen C0950123, MeSH D030342.
KBG syndrome (KBGS). Also called: ANKRD11-Related KBG Syndrome. Identifiers: Orphanet 2332, MedGen C0220687, MONDO:0007846, OMIM 148050.

Allele frequency attached by ClinVar (database versions not stated): gnomAD 0.00045 and 0.00052; ESP Exome Variant Server 0.00047; TOPMed 0.00048; gnomAD exomes 0.00063; ExAC 0.00066; 1000 Genomes Project 0.00080; 1000 Genomes Project 30x 0.00109.
gnomAD v4.1: 1,306 of 1,579,448 alleles (0.083%); highest among the groups gnomAD compares: South Asian, 0.22%; 3 homozygotes.

Submissions (9):

Labcorp Genetics (formerly Invitae), Labcorp
Classification: Likely benign for KBG syndrome. Last evaluated: 2026-01-19. Review status: criteria provided, single submitter. Criteria: Invitae Variant Classification Sherloc (09022015). Collection method: clinical testing. Allele origin: germline.

Blueprint Genetics
Classification: Likely benign. Last evaluated: 2024-10-28. Review status: criteria provided, single submitter. Criteria: ACMG Guidelines, 2015. Collection method: clinical testing. Allele origin: germline.

CeGaT Center for Human Genetics Tuebingen
Classification: Likely benign. Last evaluated: 2024-09-01. Review status: criteria provided, single submitter. Criteria: CeGaT Center For Human Genetics Tuebingen Variant Classification Criteria Version 2. Collection method: clinical testing. Allele origin: germline. Affected: yes. Observed: 6 variant alleles.
Comment: ANKRD11: BP4, BS2

Revvity Omics, Revvity
Classification: Uncertain significance for KBG syndrome. Last evaluated: 2023-10-27. Review status: criteria provided, single submitter. Criteria: ACMG Guidelines, 2015. Collection method: clinical testing. Allele origin: germline.

Genome-Nilou Lab
Classification: Benign for KBG syndrome. Last evaluated: 2021-12-05. Review status: criteria provided, single submitter. Criteria: ACMG Guidelines, 2015. Collection method: clinical testing. Allele origin: germline. Affected: no.

GeneDx
Classification: Benign. Last evaluated: 2020-08-14. Review status: criteria provided, single submitter. Criteria: GeneDx Variant Classification Process June 2021. Collection method: clinical testing. Allele origin: germline. Affected: yes.
Comment: This variant is associated with the following publications: (PMID: 28529015)

Ambry Genetics
Classification: Likely benign for Inborn genetic diseases. Last evaluated: 2017-08-25. Review status: criteria provided, single submitter. Criteria: Ambry Variant Classification Scheme 2023. Collection method: clinical testing. Allele origin: germline.

Center for Pediatric Genomic Medicine, Children's Mercy Hospital and Clinics
Classification: Likely benign. Last evaluated: 2017-03-09. Review status: criteria provided, single submitter. Criteria: ACMG Guidelines, 2015. Collection method: clinical testing. Allele origin: germline.

PreventionGenetics, part of Exact Sciences
Classification: Likely benign for ANKRD11-related condition. Last evaluated: 2020-02-24. Review status: no assertion criteria provided. Collection method: clinical testing. Allele origin: germline. Not counted in ClinVar's aggregate classification.
Comment: This variant is classified as likely benign based on ACMG/AMP sequence variant interpretation guidelines (Richards et al. 2015 PMID: 25741868, with internal and published modifications).

Literature cited by the submitters: PubMed 28529015 (cited by Ambry Genetics).